The following is an entry in ClinVar:

ClinVar aggregate classification (germline): Conflicting classifications of pathogenicity. Review status: criteria provided, conflicting classifications (1 of 4 stars). 2 submissions from 2 submitters: Pathogenic (1); Uncertain significance (1). Last evaluated 2024-03-14.

Conditions:
Methylcobalamin deficiency type cblG (HMAG). Also called: HOMOCYSTINURIA-MEGALOBLASTIC ANEMIA DUE TO DEFECT IN COBALAMIN METABOLISM, cblG COMPLEMENTATION TYPE; HOMOCYSTINURIA-MEGALOBLASTIC ANEMIA, cblG COMPLEMENTATION TYPE; HOMOCYSTINURIA-MEGALOBLASTIC ANEMIA, cblG TYPE; Functional methionine synthase deficiency type cblG. Identifiers: Orphanet 2170, Orphanet 622, MedGen C1855128, MONDO:0009609, OMIM 250940.

Allele frequency attached by ClinVar (database versions not stated): ExAC 0.00001; gnomAD 0.00001 and 0.00002; gnomAD exomes 0.00001; TOPMed 0.00002; ESP Exome Variant Server 0.00015; 1000 Genomes Project 30x 0.00016; 1000 Genomes Project 0.00020.

Submissions (2):

Labcorp Genetics (formerly Invitae), Labcorp
Classification: Pathogenic for Methylcobalamin deficiency type cblG. Last evaluated: 2024-03-14. Review status: criteria provided, single submitter. Criteria: Invitae Variant Classification Sherloc (09022015). Collection method: clinical testing. Allele origin: germline.
Comment: This sequence change replaces arginine, which is basic and polar, with cysteine, which is neutral and slightly polar, at codon 674 of the MTR protein (p.Arg674Cys). This variant is present in population databases (rs150058137, gnomAD 0.008%). This missense change has been observed in individual(s) with cobalamin G deficiency (Invitae). ClinVar contains an entry for this variant (Variation ID: 1690690). Advanced modeling of protein sequence and biophysical properties (such as structural, functional, and spatial information, amino acid conservation, physicochemical variation, residue mobility, and thermodynamic stability) performed at Invitae indicates that this missense variant is expected to disrupt MTR protein function with a positive predictive value of 80%. This variant disrupts the p.Arg674 amino acid residue in MTR. Other variant(s) that disrupt this residue have been observed in individuals with MTR-related conditions (PMID: 25526710), which suggests that this may be a clinically significant amino acid residue. For these reasons, this variant has been classified as Pathogenic.

Laboratorio de Genetica e Diagnostico Molecular, Hospital Israelita Albert Einstein
Classification: Uncertain significance. Last evaluated: 2019-09-30. Review status: criteria provided, single submitter. Criteria: ACMG Guidelines, 2015. Collection method: clinical testing. Allele origin: germline. Affected: yes.
Comment: ACMG classification criteria: PM2

Literature cited by the submitters: PubMed 25526710 (cited by Labcorp Genetics (formerly Invitae), Labcorp).

NM_000254.3(MTR):c.2020C>T (p.Arg674Cys)

Gene: MTR (5-methyltetrahydrofolate-homocysteine methyltransferase; plus strand). Cytogenetic location: 1q43.
Variant type: single nucleotide variant.
Coding change: c.2020C>T on transcript NM_000254.3 (MANE Select); coding-DNA position 2020, C replaced by T.
Protein change: p.Arg674Cys; replaces arginine 674 with cysteine.
Molecular consequence: missense variant.
Genome position (GRCh38, 1-based): chr1:236,859,899, C>T. VCF-style: chr1-236859899-C-T. GRCh37 (hg19) VCF-style: chr1-237023199-C-T.
Other names: c.2020C>T, p.Arg674Cys (NM_001291939.1); c.799C>T, p.Arg267Cys (NM_001291940.2); short protein forms R267C, R674C.
Identifiers: ClinVar variation 1690690 (VCV001690690.5), dbSNP rs150058137, ClinGen allele CA1474244.